The following is an entry in ClinVar:

ClinVar aggregate classification (germline): Uncertain significance (1 of 4 stars; one submission).

Conditions:
Severe combined immunodeficiency due to DNA-PKcs deficiency. Also called: Immunodeficiency 26 with or without neurologic abnormalities; IMMUNODEFICIENCY 26 WITH NEUROLOGIC ABNORMALITIES. Identifiers: Orphanet 317425, MedGen C4014833, MONDO:0014423, OMIM 615966.

Submission:

Labcorp Genetics (formerly Invitae), Labcorp
Classification: Uncertain significance for Severe combined immunodeficiency due to DNA-PKcs deficiency. Last evaluated: 2022-07-01. Review status: criteria provided, single submitter. Criteria: Invitae Variant Classification Sherloc (09022015). Collection method: clinical testing. Allele origin: germline.
Comment: In summary, the available evidence is currently insufficient to determine the role of this variant in disease. Therefore, it has been classified as a Variant of Uncertain Significance. Experimental studies and prediction algorithms are not available or were not evaluated, and the functional significance of this variant is currently unknown. This variant has not been reported in the literature in individuals affected with PRKDC-related conditions. This variant is present in population databases (rs370809936, gnomAD 0.001%). This sequence change replaces alanine, which is neutral and non-polar, with glycine, which is neutral and non-polar, at codon 549 of the PRKDC protein (p.Ala549Gly).

NM_006904.7(PRKDC):c.1646C>G (p.Ala549Gly)

Gene: PRKDC (protein kinase, DNA-activated, catalytic subunit; minus strand). Cytogenetic location: 8q11.21.
Variant type: single nucleotide variant.
Coding change: c.1646C>G on transcript NM_006904.7 (MANE Select); coding-DNA position 1646, C replaced by G.
Protein change: p.Ala549Gly; replaces alanine 549 with glycine.
Molecular consequence: missense variant.
Genome position (GRCh38, 1-based): chr8:47,933,150, G>C on the plus strand (C>G on the coding strand, the complement: PRKDC is on the minus strand). VCF-style: chr8-47933150-G-C. GRCh37 (hg19) VCF-style: chr8-48845710-G-C.
Other names: c.1646C>G, p.Ala549Gly (NM_001081640.2); short protein forms A549G.
Identifiers: ClinVar variation 2012707 (VCV002012707.4), dbSNP rs370809936, ClinGen allele CA4741669.